The following is an entry in ClinVar:

ClinVar aggregate classification (germline): Pathogenic. Review status: criteria provided, multiple submitters, no conflicts (2 of 4 stars). 2 submissions from 2 submitters: Pathogenic (2). Last evaluated 2025-08-25.

Conditions:
KBG syndrome (KBGS). Also called: ANKRD11-Related KBG Syndrome. Identifiers: Orphanet 2332, MedGen C0220687, MONDO:0007846, OMIM 148050.

Submissions (2):

Daryl Scott Lab, Baylor College of Medicine
Classification: Pathogenic for KBG syndrome. Last evaluated: 2025-08-25. Review status: criteria provided, single submitter. Criteria: ACMG Guidelines, 2015. Collection method: clinical testing. Allele origin: maternal. Affected: yes. Observed: 1 heterozygote.
Comment: PVS1, PM2

GeneDx
Classification: Pathogenic. Last evaluated: 2022-10-18. Review status: criteria provided, single submitter. Criteria: GeneDx Variant Classification Process June 2021. Collection method: clinical testing. Allele origin: germline. Affected: yes.
Comment: Nonsense variant predicted to result in protein truncation or nonsense mediated decay in a gene for which loss of function is a known mechanism of disease; Not observed at significant frequency in large population cohorts (gnomAD); This variant is associated with the following publications: (PMID: 25543316)

NM_013275.6(ANKRD11):c.4765C>T (p.Gln1589Ter)

Gene: ANKRD11 (ankyrin repeat domain 11; minus strand). Cytogenetic location: 16q24.3.
Variant type: single nucleotide variant.
Coding change: c.4765C>T on transcript NM_013275.6 (MANE Select); coding-DNA position 4765, C replaced by T.
Protein change: p.Gln1589Ter; replaces glutamine 1589 with a stop codon.
Molecular consequence: nonsense.
Genome position (GRCh38, 1-based): chr16:89,281,777, G>A on the plus strand (C>T on the coding strand, the complement: ANKRD11 is on the minus strand). VCF-style: chr16-89281777-G-A. GRCh37 (hg19) VCF-style: chr16-89348185-G-A.
Other names: c.4765C>T, p.Gln1589Ter (NM_001256182.2, NM_001256183.2); short protein forms Q1589*.
Identifiers: ClinVar variation 2499894 (VCV002499894.2), dbSNP rs2544231225, ClinGen allele CA397156855.